The following is an entry in ClinVar:

ClinVar aggregate classification (germline): Pathogenic/Likely pathogenic. Review status: criteria provided, multiple submitters, no conflicts (2 of 4 stars). 4 submissions from 4 submitters: Pathogenic (1); Likely pathogenic (1). 2 of the submissions do not count toward it. Last evaluated 2025-12-01.

Conditions:
Retinal dystrophy. Also called: Inherited retinal dystrophy. Identifiers: Orphanet 71862, MedGen C0854723, MeSH D058499, MONDO:0019118, HP:0000556.
Stargardt disease (FFM). Also called: Fundus flavimaculatus; Stargardt's disease. Identifiers: Orphanet 827, MedGen C0271093, MONDO:0019353.
ABCA4-related disorder. Also called: ABCA4-related condition; ABCA4-related disorders. Identifiers: MedGen CN239167.

Allele frequency attached by ClinVar (database versions not stated): gnomAD 0.00001 and 0.00002; gnomAD exomes 0.00002 and 0.00006; TOPMed 0.00002; ExAC 0.00004; 1000 Genomes Project 30x 0.00016; 1000 Genomes Project 0.00020.
gnomAD v4.1: 29 of 1,614,022 alleles (0.0018%); highest among the groups gnomAD compares: Admixed American, 0.018%; no homozygotes.

Submissions (4):

Labcorp Genetics (formerly Invitae), Labcorp
Classification: Pathogenic. Last evaluated: 2025-12-01. Review status: criteria provided, single submitter. Criteria: Invitae Variant Classification Sherloc (09022015). Collection method: clinical testing. Allele origin: germline.
Comment: This sequence change replaces proline, which is neutral and non-polar, with leucine, which is neutral and non-polar, at codon 799 of the ABCA4 protein (p.Pro799Leu). This variant is present in population databases (rs542919944, gnomAD 0.03%). This missense change has been observed in individual(s) with clinical features of inherited retinal dystrophy and/or Stargardt disease (internal data). ClinVar contains an entry for this variant (Variation ID: 858329). Invitae Evidence Modeling of protein sequence and biophysical properties (such as structural, functional, and spatial information, amino acid conservation, physicochemical variation, residue mobility, and thermodynamic stability) indicates that this missense variant is expected to disrupt ABCA4 protein function with a positive predictive value of 95%. For these reasons, this variant has been classified as Pathogenic.

Blueprint Genetics
Classification: Likely pathogenic for ABCA4-related disorders. Last evaluated: 2021-10-15. Review status: criteria provided, single submitter. Criteria: ACMG Guidelines, 2015. Collection method: clinical testing. Allele origin: germline. Affected: yes. Observed: 5 variant alleles.

Ophthalmo-Genetics Lab, Instituto de Oftalmologia Conde de Valenciana
Classification: Likely pathogenic for Stargardt disease. Last evaluated: 2022-12-20. Review status: no assertion criteria provided. Collection method: research. Allele origin: biparental. Inheritance: Autosomal recessive inheritance. Affected: yes. Observed: 1 compound heterozygote. Not counted in ClinVar's aggregate classification.
Comment: PM1,PM2,PM3,PP2,PP4 ACMG Criteria

Institute of Human Genetics, Univ. Regensburg, Univ. Regensburg
Classification: Uncertain significance for Retinal dystrophy. Last evaluated: 2022-01-01. Review status: no assertion criteria provided. Criteria: ACMG Guidelines, 2015. Collection method: clinical testing. Allele origin: germline. Affected: yes. Not counted in ClinVar's aggregate classification.

Literature cited by the submitters: PubMed 35608843 (cited by Ophthalmo-Genetics Lab, Instituto de Oftalmologia Conde de Valenciana).

NM_000350.3(ABCA4):c.2396C>T (p.Pro799Leu)

Gene: ABCA4 (ATP binding cassette subfamily A member 4; minus strand). Cytogenetic location: 1p22.1.
Variant type: single nucleotide variant.
Coding change: c.2396C>T on transcript NM_000350.3 (MANE Select); coding-DNA position 2396, C replaced by T.
Protein change: p.Pro799Leu; replaces proline 799 with leucine.
Molecular consequence: missense variant.
Genome position (GRCh38, 1-based): chr1:94,055,302, G>A on the plus strand (C>T on the coding strand, the complement: ABCA4 is on the minus strand). VCF-style: chr1-94055302-G-A. GRCh37 (hg19) VCF-style: chr1-94520858-G-A.
Other names: c.2174C>T, p.Pro725Leu (NM_001425324.1); short protein forms P799L, P725L.
Identifiers: ClinVar variation 858329 (VCV000858329.11), dbSNP rs542919944, ClinGen allele CA958275.